The following is an entry in ClinVar:

ClinVar aggregate classification (germline): Uncertain significance (1 of 4 stars; one submission).

Conditions:
Familial thoracic aortic aneurysm and aortic dissection (TAAD). Also called: Thoracic aortic aneurysms and dissections. Identifiers: Orphanet 91387, MedGen C4707243, MONDO:0019625.

Submission:

Color Diagnostics, LLC DBA Color Health
Classification: Uncertain significance for Familial thoracic aortic aneurysm and aortic dissection. Last evaluated: 2023-12-04. Review status: criteria provided, single submitter. Criteria: ACMG Guidelines, 2015. Collection method: clinical testing. Allele origin: germline.
Comment: Variant of Uncertain Significance due to insufficient evidence: This missense variant is located in the myosin motor domain of the MYH11 protein. Computational prediction tools and conservation analyses are inconclusive regarding the impact of this variant on the protein function. Computational splicing tools suggest that this variant may not impact RNA splicing. To our knowledge, functional assays have not been performed for this variant nor has this variant been reported in individuals affected with cardiovascular disorders in the literature. This variant is rare in the general population and has been identified in 0/277264 chromosomes by the Genome Aggregation Database (gnomAD). Available evidence is insufficient to determine the pathogenicity of this variant conclusively.

NM_002474.3(MYH11):c.1147C>T (p.His383Tyr)

Gene: MYH11 (myosin heavy chain 11; minus strand). Cytogenetic location: 16p13.11.
Variant type: single nucleotide variant.
Coding change: c.1147C>T on transcript NM_002474.3 (MANE Select); coding-DNA position 1147, C replaced by T.
Protein change: p.His383Tyr; replaces histidine 383 with tyrosine.
Molecular consequence: missense variant.
Genome position (GRCh38, 1-based): chr16:15,760,641, G>A on the plus strand (C>T on the coding strand, the complement: MYH11 is on the minus strand). VCF-style: chr16-15760641-G-A. GRCh37 (hg19) VCF-style: chr16-15854498-G-A.
Other names: c.1168C>T, p.His390Tyr (NM_001040113.2, NM_001040114.2); c.1147C>T, p.His383Tyr (NM_022844.3); short protein forms H383Y, H390Y.
Identifiers: ClinVar variation 922180 (VCV000922180.5), dbSNP rs2041847191, ClinGen allele CA394873113.